The following is an entry in ClinVar:

NM_000551.4(VHL):c.526A>T (p.Arg176Trp)

Genes: VHL (von Hippel-Lindau tumor suppressor; plus strand), LOC107303340 (3p25 von Hippel-Lindau tumor suppressor, E3 ubiquitin protein ligase Alu-mediated recombination region; plus strand). Cytogenetic location: 3p25.3.
Variant type: single nucleotide variant.
Coding change: c.526A>T on transcript NM_000551.4 (MANE Select); coding-DNA position 526, A replaced by T.
Protein change: p.Arg176Trp; replaces arginine 176 with tryptophan.
Molecular consequence: missense variant. On other transcripts: 3 prime UTR variant (1), non-coding transcript variant (1).
Genome position (GRCh38, 1-based): chr3:10,149,849, A>T. VCF-style: chr3-10149849-A-T. GRCh37 (hg19) VCF-style: chr3-10191533-A-T.
Other names: c.*80A>T (NM_001354723.2); c.403A>T, p.Arg135Trp (NM_198156.3); short protein forms R176W, R135W.
Identifiers: ClinVar variation 4789511 (VCV004789511.1).
Genomic context (GRCh38, chr3:10,149,849, plus strand): 5'-TATACTCTGAAAGAGCGATGCCTCCAGGTTGTCCGGAGCCTAGTCAAGCCTGAGAATTAC[A>T]GGAGACTGGACATCGTCAGGTCGCTCTACGAAGATCTGGAAGACCACCCAAATGTGCAGA-3'
Protein context (NP_000542.1, residues 166-186): VRSLVKPENY[Arg176Trp]RLDIVRSLYE

ClinVar aggregate classification (germline): Pathogenic (1 of 4 stars; one submission).

Conditions:
Chuvash polycythemia. Also called: POLYCYTHEMIA, VHL-DEPENDENT. Identifiers: Orphanet 238557, MedGen C1837915, MONDO:0009892, OMIM 263400.
Von Hippel-Lindau syndrome (VHLS). Also called: von Hippel–Lindau syndrome; VHL syndrome; Von Hippel-Lindau. Identifiers: Orphanet 892, MedGen C0019562, MONDO:0008667, OMIM 193300. Disease mechanism: loss of function.

Submission:

Labcorp Genetics (formerly Invitae), Labcorp
Classification: Pathogenic for Von Hippel-Lindau syndrome; Chuvash polycythemia. Last evaluated: 2025-03-05. Review status: criteria provided, single submitter. Criteria: Invitae Variant Classification Sherloc (09022015). Collection method: clinical testing. Allele origin: germline.
Comment: This sequence change replaces arginine, which is basic and polar, with tryptophan, which is neutral and slightly polar, at codon 176 of the VHL protein (p.Arg176Trp). This variant is not present in population databases (gnomAD no frequency). This missense change has been observed in individual(s) with von Hippel-Lindau syndrome (PMID: 29795717). It has also been observed to segregate with disease in related individuals. Invitae Evidence Modeling of protein sequence and biophysical properties (such as structural, functional, and spatial information, amino acid conservation, physicochemical variation, residue mobility, and thermodynamic stability) indicates that this missense variant is expected to disrupt VHL protein function with a positive predictive value of 95%. For these reasons, this variant has been classified as Pathogenic.

Literature cited by the submitters: PubMed 29795717.